The following is an entry in ClinVar:

NM_138713.4(NFAT5):c.3142A>T (p.Met1048Leu)

Gene: NFAT5 (nuclear factor of activated T cells 5; plus strand). Cytogenetic location: 16q22.1.
Variant type: single nucleotide variant.
Coding change: c.3142A>T on transcript NM_138713.4 (MANE Select); coding-DNA position 3142, A replaced by T.
Protein change: p.Met1048Leu; replaces methionine 1048 with leucine.
Molecular consequence: missense variant.
Genome position (GRCh38, 1-based): chr16:69,692,967, A>T. VCF-style: chr16-69692967-A-T. GRCh37 (hg19) VCF-style: chr16-69726870-A-T.
Other names: c.3139A>T, p.Met1047Leu (NM_001113178.3); c.2467A>T, p.Met823Leu (NM_001367709.1); c.3088A>T, p.Met1030Leu (NM_006599.4); c.2860A>T, p.Met954Leu (NM_138714.4, NM_173214.3, NM_173215.3); short protein forms M1030L, M954L, M1047L, M1048L, M823L.
Identifiers: ClinVar variation 1957093 (VCV001957093.5), dbSNP rs2544242001, ClinGen allele CA396512346.

ClinVar aggregate classification (germline): Uncertain significance (1 of 4 stars; one submission).

Conditions:
Immunodeficiency. Identifiers: MedGen C0021051, MONDO:0021094, HP:0002721.

Submission:

Labcorp Genetics (formerly Invitae), Labcorp
Classification: Uncertain significance for Immunodeficiency. Last evaluated: 2022-12-14. Review status: criteria provided, single submitter. Criteria: Invitae Variant Classification Sherloc (09022015). Collection method: clinical testing. Allele origin: germline.
Comment: In summary, the available evidence is currently insufficient to determine the role of this variant in disease. Therefore, it has been classified as a Variant of Uncertain Significance. Algorithms developed to predict the effect of missense changes on protein structure and function (SIFT, PolyPhen-2, Align-GVGD) all suggest that this variant is likely to be tolerated. This variant has not been reported in the literature in individuals affected with NFAT5-related conditions. This variant is not present in population databases (gnomAD no frequency). This sequence change replaces methionine, which is neutral and non-polar, with leucine, which is neutral and non-polar, at codon 954 of the NFAT5 protein (p.Met954Leu).